The following is an entry in ClinVar:

ClinVar aggregate classification (germline): Uncertain significance (1 of 4 stars; one submission).

Conditions:
Fanconi anemia complementation group E (FANCE). Also called: FANCE-Related Fanconi Anemia. Identifiers: Orphanet 84, MedGen C3160739, MONDO:0010953, OMIM 600901.

Submission:

Labcorp Genetics (formerly Invitae), Labcorp
Classification: Uncertain significance for Fanconi anemia complementation group E. Last evaluated: 2023-02-10. Review status: criteria provided, single submitter. Criteria: Invitae Variant Classification Sherloc (09022015). Collection method: clinical testing. Allele origin: germline.
Comment: This sequence change replaces serine, which is neutral and polar, with cysteine, which is neutral and slightly polar, at codon 428 of the FANCE protein (p.Ser428Cys). This variant is not present in population databases (gnomAD no frequency). This variant has not been reported in the literature in individuals affected with FANCE-related conditions. Advanced modeling of protein sequence and biophysical properties (such as structural, functional, and spatial information, amino acid conservation, physicochemical variation, residue mobility, and thermodynamic stability) performed at Invitae indicates that this missense variant is not expected to disrupt FANCE protein function. In summary, the available evidence is currently insufficient to determine the role of this variant in disease. Therefore, it has been classified as a Variant of Uncertain Significance.

NM_021922.3(FANCE):c.1283C>G (p.Ser428Cys)

Gene: FANCE (FA complementation group E; plus strand). Cytogenetic location: 6p21.31.
Variant type: single nucleotide variant.
Coding change: c.1283C>G on transcript NM_021922.3 (MANE Select); coding-DNA position 1283, C replaced by G.
Protein change: p.Ser428Cys; replaces serine 428 with cysteine.
Molecular consequence: missense variant.
Genome position (GRCh38, 1-based): chr6:35,459,727, C>G. VCF-style: chr6-35459727-C-G. GRCh37 (hg19) VCF-style: chr6-35427504-C-G.
Other names: c.1283C>G, p.Ser428Cys (NM_001410876.1); short protein forms S428C.
Identifiers: ClinVar variation 2730594 (VCV002730594.3), dbSNP rs2533680802, ClinGen allele CA363777177.
Genomic context (GRCh38, chr6:35,459,727, plus strand): 5'-CTGTCCTCTACCCAGGTCCTGCTCAAACAGAGTTACTGTGTTGCCTTGTGAAGATGGAGT[C>G]CCTGGAGCCAGATGCACAGGTTCTAATGCTGGGGTGAGTGTGCAGGCCTCCGTGCTGTCC-3'
Protein context (NP_068741.1, residues 418-438): ELLCCLVKME[Ser428Cys]LEPDAQVLML